The following is an entry in ClinVar:

ClinVar aggregate classification (germline): Pathogenic (1 of 4 stars; one submission).

Conditions:
Marfan syndrome (MFS). Also called: MARFAN SYNDROME, TYPE I; Marfan syndrome type 1; Marfan's syndrome; Marfan syndrome, classic; FBN1-Related Marfan Syndrome. Identifiers: Orphanet 284963, Orphanet 558, MedGen C0024796, MONDO:0007947, OMIM 154700.
Familial thoracic aortic aneurysm and aortic dissection (TAAD). Also called: Thoracic aortic aneurysms and dissections. Identifiers: Orphanet 91387, MedGen C4707243, MONDO:0019625.

Submission:

Labcorp Genetics (formerly Invitae), Labcorp
Classification: Pathogenic for Marfan syndrome; Familial thoracic aortic aneurysm and aortic dissection. Last evaluated: 2021-06-22. Review status: criteria provided, single submitter. Criteria: Invitae Variant Classification Sherloc (09022015). Collection method: clinical testing. Allele origin: germline.
Comment: This variant is not present in population databases (ExAC no frequency). For these reasons, this variant has been classified as Pathogenic. This variant has not been reported in the literature in individuals with FBN1-related conditions. This sequence change creates a premature translational stop signal (p.Lys1335Thrfs*14) in the FBN1 gene. It is expected to result in an absent or disrupted protein product. Loss-of-function variants in FBN1 are known to be pathogenic (PMID: 17657824, 19293843).

Literature cited by the submitters: PubMed 17657824; PubMed 19293843.

NM_000138.5(FBN1):c.4002_4003del (p.Lys1335fs)

Gene: FBN1 (fibrillin 1; minus strand). Cytogenetic location: 15q21.1.
Variant type: Deletion.
Coding change: c.4002_4003del on transcript NM_000138.5 (MANE Select); coding-DNA positions 4002 to 4003, 2 bases deleted (CA; older notation c.4002_4003delCA).
Protein change: p.Lys1335fs; shifts the reading frame from lysine 1335.
Molecular consequence: frameshift variant.
Genome position (GRCh38, 1-based): chr15:48,474,612-48,474,613, TG deleted on the plus strand (CA on the coding strand, the reverse complement: FBN1 is on the minus strand). VCF-style (leftmost placement, unchanged base first): chr15-48474611-TTG-T. GRCh37 (hg19) VCF-style: chr15-48766808-TTG-T.
Other names: short protein forms K1335fs.
Identifiers: ClinVar variation 1433293 (VCV001433293.6), dbSNP rs2141280251, ClinGen allele CA2573150763.